The following is an entry in ClinVar:

ClinVar aggregate classification (germline): Pathogenic/Likely pathogenic. Review status: criteria provided, multiple submitters, no conflicts (2 of 4 stars). 3 submissions from 3 submitters: Pathogenic (2); Likely pathogenic (1). Last evaluated 2025-01-27.

Conditions:
Inborn genetic diseases. Identifiers: MedGen C0950123, MeSH D030342.
Koolen-de Vries syndrome (KDVS). Identifiers: Orphanet 96169, MedGen C1864871, MONDO:0012496, OMIM 610443.

Submissions (3):

Ambry Genetics
Classification: Pathogenic for Inborn genetic diseases. Last evaluated: 2025-01-27. Review status: criteria provided, single submitter. Criteria: Ambry Variant Classification Scheme 2023. Collection method: clinical testing. Allele origin: germline.
Comment: The c.3031C>T (p.R1011*) alteration, located in exon 14 (coding exon 13) of the KANSL1 gene, consists of a C to T substitution at nucleotide position 3031. This changes the amino acid from an arginine (R) to a stop codon at amino acid position 1011. This alteration is expected to result in loss of function by premature protein truncation or nonsense-mediated mRNA decay. This variant was not reported in population-based cohorts in the Genome Aggregation Database (gnomAD). This variant was reported in individual(s) with features consistent with Koolen-de Vries syndrome (Shimelis, 2023). Based on the available evidence, this alteration is classified as pathogenic.

Labcorp Genetics (formerly Invitae), Labcorp
Classification: Pathogenic for Koolen-de Vries syndrome. Last evaluated: 2023-12-19. Review status: criteria provided, single submitter. Criteria: Invitae Variant Classification Sherloc (09022015). Collection method: clinical testing. Allele origin: germline.
Comment: This sequence change creates a premature translational stop signal (p.Arg1011*) in the KANSL1 gene. It is expected to result in an absent or disrupted protein product. Loss-of-function variants in KANSL1 are known to be pathogenic (PMID: 22544363, 22544367). This variant is not present in population databases (gnomAD no frequency). This variant has not been reported in the literature in individuals affected with KANSL1-related conditions. ClinVar contains an entry for this variant (Variation ID: 949673). For these reasons, this variant has been classified as Pathogenic.

Revvity Omics, Revvity
Classification: Likely pathogenic for Koolen-de Vries syndrome. Last evaluated: 2021-09-22. Review status: criteria provided, single submitter. Criteria: ACMG Guidelines, 2015. Collection method: clinical testing. Allele origin: germline.

Literature cited by the submitters: PubMed 36475376 (cited by Ambry Genetics); PubMed 22544363 (cited by Labcorp Genetics (formerly Invitae), Labcorp); PubMed 22544367 (cited by Labcorp Genetics (formerly Invitae), Labcorp).

NM_015443.4(KANSL1):c.3031C>T (p.Arg1011Ter)

Gene: KANSL1 (KAT8 regulatory NSL complex subunit 1). Cytogenetic location: 17q21.31.
Variant type: single nucleotide variant.
Coding change: c.3031C>T on transcript NM_015443.4 (MANE Select); coding-DNA position 3031, C replaced by T.
Protein change: p.Arg1011Ter; replaces arginine 1011 with a stop codon.
Molecular consequence: nonsense.
Genome position (GRCh38, 1-based): chr17:46,032,106, G>A on the plus strand (C>T on the coding strand, the complement: KANSL1 is on the minus strand). VCF-style: chr17-46032106-G-A. GRCh37 (hg19) VCF-style: chr17-44109472-G-A.
Other names: c.3028C>T, p.Arg1010Ter (NM_001193465.2); c.3031C>T, p.Arg1011Ter (NM_001193466.2, NM_001379198.1); short protein forms R1010*, R1011*.
Identifiers: ClinVar variation 949673 (VCV000949673.9), dbSNP rs779686052, ClinGen allele CA399986465.